The following is an entry in ClinVar:

ClinVar aggregate classification (germline): Uncertain significance (1 of 4 stars; one submission).

Conditions:
Muscular dystrophy-dystroglycanopathy (congenital with brain and eye anomalies), type a, 12 (MDDGA12). Also called: WALKER-WARBURG SYNDROME OR MUSCLE-EYE-BRAIN DISEASE, POMK-RELATED. Identifiers: Orphanet 899, MedGen C3808964, MONDO:0014101, OMIM 615249.
Limb-girdle muscular dystrophy due to POMK deficiency. Also called: Muscular dystrophy-dystroglycanopathy (limb-girdle), type c, 12; MUSCULAR DYSTROPHY-DYSTROGLYCANOPATHY, LIMB-GIRDLE, POMK-RELATED. Identifiers: Orphanet 445110, MedGen C4015184, MONDO:0014489, OMIM 616094.

Submission:

Labcorp Genetics (formerly Invitae), Labcorp
Classification: Uncertain significance for Muscular dystrophy-dystroglycanopathy (congenital with brain and eye anomalies), type a, 12; Limb-girdle muscular dystrophy due to POMK deficiency. Last evaluated: 2020-03-23. Review status: criteria provided, single submitter. Criteria: Invitae Variant Classification Sherloc (09022015). Collection method: clinical testing. Allele origin: germline.
Comment: This sequence change replaces threonine with serine at codon 146 of the POMK protein (p.Thr146Ser). The threonine residue is highly conserved and there is a small physicochemical difference between threonine and serine. This variant is not present in population databases (ExAC no frequency). This variant has not been reported in the literature in individuals with POMK-related conditions. Algorithms developed to predict the effect of missense changes on protein structure and function output the following: SIFT: "Tolerated"; PolyPhen-2: "Benign"; Align-GVGD: "Class C0". The serine amino acid residue is found in multiple mammalian species, suggesting that this missense change does not adversely affect protein function. These predictions have not been confirmed by published functional studies and their clinical significance is uncertain. In summary, the available evidence is currently insufficient to determine the role of this variant in disease. Therefore, it has been classified as a Variant of Uncertain Significance.

NM_032237.5(POMK):c.436A>T (p.Thr146Ser)

Gene: POMK (protein O-mannose kinase; plus strand). Cytogenetic location: 8p11.21.
Variant type: single nucleotide variant.
Coding change: c.436A>T on transcript NM_032237.5 (MANE Select); coding-DNA position 436, A replaced by T.
Protein change: p.Thr146Ser; replaces threonine 146 with serine.
Molecular consequence: missense variant.
Genome position (GRCh38, 1-based): chr8:43,122,260, A>T. VCF-style: chr8-43122260-A-T. GRCh37 (hg19) VCF-style: chr8-42977403-A-T.
Other names: c.436A>T, p.Thr146Ser (NM_001277971.2); short protein forms T146S.
Identifiers: ClinVar variation 1018293 (VCV001018293.5), dbSNP rs1811932910, ClinGen allele CA371121891.